The following is an entry in ClinVar:

NM_153834.4(ADGRG4):c.8980C>T (p.Arg2994Trp)

Gene: ADGRG4 (adhesion G protein-coupled receptor G4; plus strand). Cytogenetic location: Xq26.3.
Variant type: single nucleotide variant.
Coding change: c.8980C>T on transcript NM_153834.4 (MANE Select); coding-DNA position 8980, C replaced by T.
Protein change: p.Arg2994Trp; replaces arginine 2994 with tryptophan.
Molecular consequence: missense variant.
Genome position (GRCh38, 1-based): chrX:136,412,309, C>T. VCF-style: chrX-136412309-C-T. GRCh37 (hg19) VCF-style: chrX-135494468-C-T.
Other names: short protein forms R2994W.
Identifiers: ClinVar variation 2359984 (VCV002359984.26), dbSNP rs144761853, ClinGen allele CA10527277.
Genomic context (GRCh38, chrX:136,412,309, plus strand): 5'-TCTTCTTCTGGCTTAGGATTCTTCATTTTTGTGTTTCACTGTGTGATGAAGGAGAGTGTG[C>T]GGGAGCAGTGGCAGATACACCTCTGCTGTGGGTGGTTGCGATTGGATAACTCTTCTGGTA-3'
Protein context (NP_722576.3, residues 2984-3004): VFHCVMKESV[Arg2994Trp]EQWQIHLCCG

ClinVar aggregate classification (germline): Conflicting classifications of pathogenicity. Review status: criteria provided, conflicting classifications (1 of 4 stars). 2 submissions from 2 submitters: Uncertain significance (1); Likely benign (1). Last evaluated 2023-02-01.

Allele frequency attached by ClinVar (database versions not stated): gnomAD exomes 0.00014; TOPMed 0.00014; gnomAD 0.00018; ESP Exome Variant Server 0.00019; ExAC 0.00024.
gnomAD v4.1: 182 of 1,201,455 alleles (0.015%); highest among the groups gnomAD compares: Middle Eastern, 0.023%; no homozygotes.

Submissions (2):

CeGaT Center for Human Genetics Tuebingen
Classification: Likely benign. Last evaluated: 2023-02-01. Review status: criteria provided, single submitter. Criteria: CeGaT Center For Human Genetics Tuebingen Variant Classification Criteria Version 2. Collection method: clinical testing. Allele origin: germline. Affected: yes. Observed: 1 variant allele.
Comment: ADGRG4: BP4, BS2

Ambry Genetics
Classification: Uncertain significance. Last evaluated: 2021-06-18. Review status: criteria provided, single submitter. Criteria: Ambry Variant Classification Scheme 2023. Collection method: clinical testing. Allele origin: germline.